The following is an entry in ClinVar:

ClinVar aggregate classification (germline): Pathogenic (1 of 4 stars; one submission).

Conditions:
Primary familial hypertrophic cardiomyopathy (HCM). Identifiers: Orphanet 99739, MedGen C0949658, MeSH D024741, MONDO:0024573. Inheritance: Various modes of inheritance.
Hypertrophic cardiomyopathy 25 (CMH25). Also called: CARDIOMYOPATHY, FAMILIAL HYPERTROPHIC, 25. Identifiers: MedGen C4225408, MONDO:0011843, OMIM 607487.

Submission:

Labcorp Genetics (formerly Invitae), Labcorp
Classification: Pathogenic for Hypertrophic cardiomyopathy 25; Primary familial hypertrophic cardiomyopathy. Last evaluated: 2024-10-18. Review status: criteria provided, single submitter. Criteria: Invitae Variant Classification Sherloc (09022015). Collection method: clinical testing. Allele origin: germline.
Comment: This sequence change creates a premature translational stop signal (p.Glu12Argfs*17) in the TCAP gene. While this is not anticipated to result in nonsense mediated decay, it is expected to disrupt the last 156 amino acid(s) of the TCAP protein. This variant is not present in population databases (gnomAD no frequency). This variant has not been reported in the literature in individuals affected with TCAP-related conditions. ClinVar contains an entry for this variant (Variation ID: 1459213). This variant disrupts a region of the TCAP protein in which other variant(s) (p.Gln53*) have been determined to be pathogenic (PMID: 10655062, 23479141, 25298746). This suggests that this is a clinically significant region of the protein, and that variants that disrupt it are likely to be disease-causing. For these reasons, this variant has been classified as Pathogenic.

Literature cited by the submitters: PubMed 10655062; PubMed 23479141; PubMed 25298746.

NM_003673.4(TCAP):c.34del (p.Glu12fs)

Gene: TCAP (titin-cap; plus strand). Cytogenetic location: 17q12.
Variant type: Deletion.
Coding change: c.34del on transcript NM_003673.4 (MANE Select); coding-DNA position 34, one base deleted (G; older notation c.34delG).
Protein change: p.Glu12fs; shifts the reading frame from glutamic acid 12.
Molecular consequence: frameshift variant.
Genome position (GRCh38, 1-based): chr17:39,665,393, G deleted; the last of 2 consecutive G bases (chr17:39,665,392-39,665,393); deleting either gives the same sequence. VCF-style (leftmost placement, unchanged base first): chr17-39665391-CG-C. GRCh37 (hg19) VCF-style: chr17-37821644-CG-C.
Other names: short protein forms E12fs.
Identifiers: ClinVar variation 1459213 (VCV001459213.6), dbSNP rs1555606959, ClinGen allele CA2573153698.